The following is an entry in ClinVar:

ClinVar aggregate classification (germline): Likely benign (1 of 4 stars; one submission).

Conditions:
SLC10A1-related disorder. Also called: SLC10A1-related condition.

gnomAD v4.1: 11 of 1,610,928 alleles (0.00068%); highest among the groups gnomAD compares: East Asian, 0.022%; no homozygotes.

Submission:

PreventionGenetics, part of Exact Sciences
Classification: Likely benign for SLC10A1-related condition. Last evaluated: 2025-08-06. Review status: criteria provided, single submitter. Criteria: ACMG Guidelines, 2015. Collection method: clinical testing. Allele origin: germline.
Comment: This variant is classified as likely benign based on ACMG/AMP sequence variant interpretation guidelines (Richards et al. 2015 PMID: 25741868, with internal and published modifications).

NM_003049.4(SLC10A1):c.*3C>A

Gene: SLC10A1 (solute carrier family 10 member 1; minus strand). Cytogenetic location: 14q24.1.
Variant type: single nucleotide variant.
Coding change: c.*3C>A on transcript NM_003049.4 (MANE Select); 3 bases downstream of the stop codon, C replaced by A.
Molecular consequence: 3 prime UTR variant.
Genome position (GRCh38, 1-based): chr14:69,776,279, G>T on the plus strand (C>A on the coding strand, the complement: SLC10A1 is on the minus strand). VCF-style: chr14-69776279-G-T. GRCh37 (hg19) VCF-style: chr14-70242996-G-T.
Identifiers: ClinVar variation 4989841 (VCV004989841.1).
Genomic context (GRCh38, chr14:69,776,279, plus strand): 5'-TAGTTTACCACACTGGCTTTCAGAATTGCTTTGGGACCAGAATCCAGGCCACCAGGGGAA[G>T]GGCTAGGCTGTGCAAGGGGAGCAGTCCTCCCCTTTGTAGGTGCCATTTCCCAGAGCTCCT-3'